The following is an entry in ClinVar:

NM_004839.4(HOMER2):c.609G>T (p.Gln203His)

Gene: HOMER2 (homer scaffold protein 2; minus strand). Cytogenetic location: 15q25.2.
Variant type: single nucleotide variant.
Coding change: c.609G>T on transcript NM_004839.4 (MANE Select); coding-DNA position 609, G replaced by T.
Protein change: p.Gln203His; replaces glutamine 203 with histidine.
Molecular consequence: missense variant.
Genome position (GRCh38, 1-based): chr15:82,854,686, C>A on the plus strand (G>T on the coding strand, the complement: HOMER2 is on the minus strand). VCF-style: chr15-82854686-C-A. GRCh37 (hg19) VCF-style: chr15-83523438-C-A.
Other names: c.642G>T, p.Gln214His (NM_199330.3); c.609G>T (NM_004839.3); c.642G>T (NM_199330.2); short protein forms Q203H, Q214H.
Identifiers: ClinVar variation 500844 (VCV000500844.12), dbSNP rs200964994, ClinGen allele CA7702080.

ClinVar aggregate classification (germline): Conflicting classifications of pathogenicity. Review status: criteria provided, conflicting classifications (1 of 4 stars). 5 submissions from 5 submitters: Uncertain significance (3); Benign (1). 1 of the submissions does not count toward it. Last evaluated 2025-10-22.

Conditions:
HOMER2-related disorder. Also called: HOMER2-related condition.
Inborn genetic diseases. Identifiers: MedGen C0950123, MeSH D030342.

Allele frequency attached by ClinVar (database versions not stated): ExAC 0.00006; 1000 Genomes Project 0.00020; gnomAD 0.00017 and 0.00020; TOPMed 0.00025; 1000 Genomes Project 30x 0.00031; ESP Exome Variant Server 0.00039; gnomAD exomes 0.00003 and 0.00002.
gnomAD v4.1: 52 of 1,613,154 alleles (0.0032%); highest among the groups gnomAD compares: African/African-American, 0.064%; no homozygotes.

Submissions (5):

GeneDx
Classification: Uncertain significance. Last evaluated: 2025-10-22. Review status: criteria provided, single submitter. Criteria: GeneDx Variant Classification Process June 2021. Collection method: clinical testing. Allele origin: germline.
Comment: In silico analysis supports that this missense variant has a deleterious effect on protein structure/function; Has not been previously published as pathogenic or benign to our knowledge; Variants in candidate genes are classified as variants of uncertain significance in accordance with ACMG guidelines (PMID: 25741868)

Labcorp Genetics (formerly Invitae), Labcorp
Classification: Benign. Last evaluated: 2025-06-29. Review status: criteria provided, single submitter. Criteria: Invitae Variant Classification Sherloc (09022015). Collection method: clinical testing. Allele origin: germline.

Ambry Genetics
Classification: Uncertain significance for Inborn genetic diseases. Last evaluated: 2024-03-29. Review status: criteria provided, single submitter. Criteria: Ambry Variant Classification Scheme 2023. Collection method: clinical testing. Allele origin: germline.

Eurofins Ntd Llc (ga)
Classification: Uncertain significance. Last evaluated: 2017-03-30. Review status: criteria provided, single submitter. Criteria: EGL Classification Definitions 2015. Collection method: clinical testing. Allele origin: germline. Observed: 1 variant allele, 1 heterozygote.

PreventionGenetics, part of Exact Sciences
Classification: Likely benign for HOMER2-related condition. Last evaluated: 2023-09-22. Review status: no assertion criteria provided. Collection method: clinical testing. Allele origin: germline. Not counted in ClinVar's aggregate classification.
Comment: This variant is classified as likely benign based on ACMG/AMP sequence variant interpretation guidelines (Richards et al. 2015 PMID: 25741868, with internal and published modifications).